The following is an entry in ClinVar:

NM_001377540.1(SLMAP):c.1477C>T (p.Leu493Phe)

Gene: SLMAP (sarcolemma associated protein; plus strand). Cytogenetic location: 3p14.3.
Variant type: single nucleotide variant.
Coding change: c.1477C>T on transcript NM_001377540.1 (MANE Select); coding-DNA position 1477, C replaced by T.
Protein change: p.Leu493Phe; replaces leucine 493 with phenylalanine.
Molecular consequence: missense variant. On other transcripts: non-coding transcript variant (1).
Genome position (GRCh38, 1-based): chr3:57,896,908, C>T. VCF-style: chr3-57896908-C-T. GRCh37 (hg19) VCF-style: chr3-57882635-C-T.
Other names: c.1426C>T, p.Leu476Phe (NM_001304420.3, NM_001377541.1, NM_001377542.1 and 2 more transcripts); c.1312C>T, p.Leu438Phe (NM_001304421.2, NM_001377557.1, NM_001377559.1 and 1 more transcripts); c.28C>T, p.Leu10Phe (NM_001304422.3, NM_001304423.3, NM_001311178.2 and 4 more transcripts); c.1477C>T, p.Leu493Phe (NM_001377538.1, NM_001377539.1, NM_001377555.1); c.1414C>T, p.Leu472Phe (NM_001377545.1, NM_001377922.1); c.1375C>T, p.Leu459Phe (NM_001377549.1, NM_001377923.1, NM_007159.5); c.1363C>T, p.Leu455Phe (NM_001377551.1, NM_001377552.1, NM_001377924.1); short protein forms L10F, L438F, L455F, L459F, L472F, L476F, L493F.
Identifiers: ClinVar variation 1717609 (VCV001717609.5), dbSNP rs756591941, ClinGen allele CA2467154.

ClinVar aggregate classification (germline): Uncertain significance (1 of 4 stars; one submission).

Conditions:
Brugada syndrome. Also called: Sudden Unexplained Death Syndrome; Sudden Unexplained Nocturnal Death Syndrome (SUNDS); Sudden unexpected nocturnal death syndrome; Sudden unexplained nocturnal death syndrome. Identifiers: Orphanet 130, MedGen C1142166, MONDO:0015263.

Allele frequency attached by ClinVar (database versions not stated): gnomAD exomes 0.00001; ExAC 0.00002.
gnomAD v4.1: 4 of 1,612,818 alleles (0.00025%); highest among the groups gnomAD compares: Non-Finnish European, 0.00034%; no homozygotes.

Submission:

Labcorp Genetics (formerly Invitae), Labcorp
Classification: Uncertain significance for Brugada syndrome. Last evaluated: 2022-08-22. Review status: criteria provided, single submitter. Criteria: Invitae Variant Classification Sherloc (09022015). Collection method: clinical testing. Allele origin: germline.
Comment: Algorithms developed to predict the effect of missense changes on protein structure and function output the following: SIFT: "Tolerated"; PolyPhen-2: "Benign"; Align-GVGD: "Class C0". The phenylalanine amino acid residue is found in multiple mammalian species, which suggests that this missense change does not adversely affect protein function. In summary, the available evidence is currently insufficient to determine the role of this variant in disease. Therefore, it has been classified as a Variant of Uncertain Significance. This variant is present in population databases (rs756591941, gnomAD 0.003%). This sequence change replaces leucine, which is neutral and non-polar, with phenylalanine, which is neutral and non-polar, at codon 459 of the SLMAP protein (p.Leu459Phe). This variant has not been reported in the literature in individuals affected with SLMAP-related conditions.